The following is an entry in ClinVar:

NM_004100.5(EYA4):c.413A>G (p.Tyr138Cys)

Gene: EYA4 (EYA transcriptional coactivator and phosphatase 4; plus strand). Cytogenetic location: 6q23.2.
Variant type: single nucleotide variant.
Coding change: c.413A>G on transcript NM_004100.5 (MANE Select); coding-DNA position 413, A replaced by G.
Protein change: p.Tyr138Cys; replaces tyrosine 138 with cysteine.
Molecular consequence: missense variant.
Genome position (GRCh38, 1-based): chr6:133,461,156, A>G. VCF-style: chr6-133461156-A-G. GRCh37 (hg19) VCF-style: chr6-133782294-A-G.
Other names: c.413A>G, p.Tyr138Cys (NM_172105.4, NM_001301013.2); c.251A>G, p.Tyr84Cys (NM_001301012.2, NM_001370459.1); c.344A>G, p.Tyr115Cys (NM_001370458.1, NM_172103.4); short protein forms Y115C, Y138C, Y84C.
Identifiers: ClinVar variation 1008290 (VCV001008290.8), dbSNP rs1794347562, ClinGen allele CA365696101.

ClinVar aggregate classification (germline): Uncertain significance (1 of 4 stars; one submission).

Conditions:
Dilated cardiomyopathy 1J (CMD1J). Also called: CARDIOMYOPATHY, DILATED, WITH SENSORINEURAL HEARING LOSS, AUTOSOMAL DOMINANT. Identifiers: Orphanet 217622, MedGen C1854368, MONDO:0011541, OMIM 605362.

Allele frequency attached by ClinVar (database versions not stated): TOPMed below 0.00001.

Submission:

Labcorp Genetics (formerly Invitae), Labcorp
Classification: Uncertain significance for Dilated cardiomyopathy 1J. Last evaluated: 2025-05-27. Review status: criteria provided, single submitter. Criteria: Invitae Variant Classification Sherloc (09022015). Collection method: clinical testing. Allele origin: germline.
Comment: This sequence change replaces tyrosine, which is neutral and polar, with cysteine, which is neutral and slightly polar, at codon 138 of the EYA4 protein (p.Tyr138Cys). This variant is not present in population databases (gnomAD no frequency). This variant has not been reported in the literature in individuals affected with EYA4-related conditions. ClinVar contains an entry for this variant (Variation ID: 1008290). Invitae Evidence Modeling of protein sequence and biophysical properties (such as structural, functional, and spatial information, amino acid conservation, physicochemical variation, residue mobility, and thermodynamic stability) indicates that this missense variant is not expected to disrupt EYA4 protein function with a negative predictive value of 80%. In summary, the available evidence is currently insufficient to determine the role of this variant in disease. Therefore, it has been classified as a Variant of Uncertain Significance.